The following is an entry in ClinVar:

NM_001042492.3(NF1):c.349del (p.Ile117fs)

Gene: NF1 (neurofibromin 1; plus strand). Cytogenetic location: 17q11.2.
Variant type: Deletion.
Coding change: c.349del on transcript NM_001042492.3 (MANE Select); coding-DNA position 349, one base deleted (A; older notation c.349delA).
Protein change: p.Ile117fs; shifts the reading frame from isoleucine 117.
Molecular consequence: frameshift variant.
Genome position (GRCh38, 1-based): chr17:31,163,246, A deleted; the last of 3 consecutive A bases (chr17:31,163,244-31,163,246); deleting any one gives the same sequence. VCF-style (leftmost placement, unchanged base first): chr17-31163243-GA-G. GRCh37 (hg19) VCF-style: chr17-29490261-GA-G.
Other names: c.349delA, p.Ile117Serfs (NM_000267.4); c.349del, p.Ile117fs (NM_001128147.3); short protein forms I117fs.
Identifiers: ClinVar variation 851792 (VCV000851792.7), dbSNP rs2065792921, ClinGen allele CA916080564.

ClinVar aggregate classification (germline): Pathogenic. Review status: criteria provided, multiple submitters, no conflicts (2 of 4 stars). 2 submissions from 2 submitters: Pathogenic (2). Last evaluated 2024-11-08.

Conditions:
Neurofibromatosis, type 1 (NF1). Also called: Neurofibromatosis, type I; VON RECKLINGHAUSEN DISEASE; Peripheral type neurofibromatosis; NEUROFIBROMATOSIS, TYPE I, SOMATIC. Identifiers: Orphanet 636, MedGen C0027831, MONDO:0018975, OMIM 162200. Disease mechanism: loss of function.

Submissions (2):

GeneDx
Classification: Pathogenic. Last evaluated: 2024-11-08. Review status: criteria provided, single submitter. Criteria: GeneDx Variant Classification Process June 2021. Collection method: clinical testing. Allele origin: germline. Affected: yes.
Comment: Frameshift variant predicted to result in protein truncation or nonsense mediated decay in a gene for which loss of function is a known mechanism of disease; Not observed at significant frequency in large population cohorts (gnomAD); Also known as 347delA; This variant is associated with the following publications: (PMID: 12807981)

Labcorp Genetics (formerly Invitae), Labcorp
Classification: Pathogenic for Neurofibromatosis, type 1. Last evaluated: 2019-01-02. Review status: criteria provided, single submitter. Criteria: Invitae Variant Classification Sherloc (09022015). Collection method: clinical testing. Allele origin: germline.
Comment: For these reasons, this variant has been classified as Pathogenic. Loss-of-function variants in NF1 are known to be pathogenic (PMID: 10712197, 23913538). This variant has been observed in an individual with clinical features of neurofibromatosis type 1 (PMID: 12807981). This variant is not present in population databases (ExAC no frequency). This sequence change creates a premature translational stop signal (p.Ile117Serfs*48) in the NF1 gene. It is expected to result in an absent or disrupted protein product.

Literature cited by the submitters: PubMed 10712197 (cited by Labcorp Genetics (formerly Invitae), Labcorp); PubMed 23913538 (cited by Labcorp Genetics (formerly Invitae), Labcorp); PubMed 12807981 (cited by Labcorp Genetics (formerly Invitae), Labcorp).